The following is an entry in ClinVar:

ClinVar aggregate classification (germline): Uncertain significance. Review status: criteria provided, multiple submitters, no conflicts (2 of 4 stars). 2 submissions from 2 submitters: Uncertain significance (2). Last evaluated 2025-10-02.

Conditions:
Kufor-Rakeb syndrome (KRS). Also called: PARKINSON DISEASE 9, AUTOSOMAL RECESSIVE, JUVENILE-ONSET. Identifiers: Orphanet 306674, Orphanet 314632, MedGen C1847640, MONDO:0011706, OMIM 606693.
Autosomal recessive spastic paraplegia type 78. Identifiers: Orphanet 513436, MedGen C5567893, MONDO:0014975, OMIM 617225.

Allele frequency attached by ClinVar (database versions not stated): gnomAD exomes below 0.00001; gnomAD 0.00001; TOPMed 0.00001.
gnomAD v4.1: 4 of 1,590,704 alleles (0.00025%); highest among the groups gnomAD compares: African/African-American, 0.0027%; no homozygotes.

Submissions (2):

Labcorp Genetics (formerly Invitae), Labcorp
Classification: Uncertain significance for Kufor-Rakeb syndrome; Autosomal recessive spastic paraplegia type 78. Last evaluated: 2025-10-02. Review status: criteria provided, single submitter. Criteria: Invitae Variant Classification Sherloc (09022015). Collection method: clinical testing. Allele origin: germline.
Comment: This sequence change replaces arginine, which is basic and polar, with histidine, which is basic and polar, at codon 544 of the ATP13A2 protein (p.Arg544His). This variant is not present in population databases (gnomAD no frequency). This variant has not been reported in the literature in individuals affected with ATP13A2-related conditions. ClinVar contains an entry for this variant (Variation ID: 1403974). Invitae Evidence Modeling of protein sequence and biophysical properties (such as structural, functional, and spatial information, amino acid conservation, physicochemical variation, residue mobility, and thermodynamic stability) indicates that this missense variant is not expected to disrupt ATP13A2 protein function with a negative predictive value of 80%. In summary, the available evidence is currently insufficient to determine the role of this variant in disease. Therefore, it has been classified as a Variant of Uncertain Significance.

Revvity Omics, Revvity
Classification: Uncertain significance. Last evaluated: 2019-03-08. Review status: criteria provided, single submitter. Criteria: ACMG Guidelines, 2015. Collection method: clinical testing. Allele origin: germline.

NM_022089.4(ATP13A2):c.1631G>A (p.Arg544His)

Gene: ATP13A2 (ATPase cation transporting 13A2; minus strand). Cytogenetic location: 1p36.13.
Variant type: single nucleotide variant.
Coding change: c.1631G>A on transcript NM_022089.4 (MANE Select); coding-DNA position 1631, G replaced by A.
Protein change: p.Arg544His; replaces arginine 544 with histidine.
Molecular consequence: missense variant.
Genome position (GRCh38, 1-based): chr1:16,993,747, C>T on the plus strand (G>A on the coding strand, the complement: ATP13A2 is on the minus strand). VCF-style: chr1-16993747-C-T. GRCh37 (hg19) VCF-style: chr1-17320242-C-T.
Other names: c.1616G>A, p.Arg539His (NM_001141973.3, NM_001141974.3); c.1631G>A (NM_022089.2); short protein forms R544H, R539H.
Identifiers: ClinVar variation 1403974 (VCV001403974.10), dbSNP rs1050384310, ClinGen allele CA18634752.
Genomic context (GRCh38, chr1:16,993,747, plus strand): 5'-AGCCGGCTGAGGGCATGGCAGGTGGCCAGTGCTCGGAGCAGGGGCCCCACAGGCAGGCGG[C>T]GAGGCTCTGGGACCAGGGGCAGGAATGCCTGCCCCTTCAGGGGCACCACCCCCATCACGT-3'
Protein context (NP_071372.1, residues 534-554): QAFLPLVPEP[Arg544His]RLPVGPLLRA